The following is an entry in ClinVar:

NM_001267550.2(TTN):c.104883T>G (p.Phe34961Leu)

Genes: TTN (titin; minus strand), TTN-AS1 (TTN antisense RNA 1; plus strand). Cytogenetic location: 2q31.2.
Variant type: single nucleotide variant.
Coding change: c.104883T>G on transcript NM_001267550.2 (MANE Select); coding-DNA position 104883, T replaced by G.
Protein change: p.Phe34961Leu; replaces phenylalanine 34961 with leucine.
Molecular consequence: missense variant.
Genome position (GRCh38, 1-based): chr2:178,531,732, A>C on the plus strand (T>G on the coding strand, the complement: TTN is on the minus strand). VCF-style: chr2-178531732-A-C. GRCh37 (hg19) VCF-style: chr2-179396459-A-C.
Other names: c.97179T>G, p.Phe32393Leu (NM_133378.4); c.78063T>G, p.Phe26021Leu (NM_133432.3); c.78264T>G, p.Phe26088Leu (NM_133437.4); c.99960T>G, p.Phe33320Leu (NM_001256850.1); c.77688T>G, p.Phe25896Leu (NM_003319.4); short protein forms F25896L, F26088L, F26021L, F33320L, F34961L, F32393L.
Identifiers: ClinVar variation 648988 (VCV000648988.11), dbSNP rs934181908, ClinGen allele CA60955885.

ClinVar aggregate classification (germline): Uncertain significance. Review status: criteria provided, multiple submitters, no conflicts (2 of 4 stars). 3 submissions from 3 submitters: Uncertain significance (3). Last evaluated 2025-12-22.

Conditions:
Dilated cardiomyopathy 1G (CMD1G). Identifiers: Orphanet 154, MedGen C1858763, MONDO:0011400, OMIM 604145.
Autosomal recessive limb-girdle muscular dystrophy type 2J (LGMDR10). Also called: Limb-girdle muscular dystrophy, type 2J; MUSCULAR DYSTROPHY, LIMB-GIRDLE, AUTOSOMAL RECESSIVE 10. Identifiers: Orphanet 140922, MedGen C1837342, MONDO:0012127, OMIM 608807.
Cardiovascular phenotype. Identifiers: MedGen CN230736.

Allele frequency attached by ClinVar (database versions not stated): gnomAD exomes 0.00001.

Submissions (3):

Labcorp Genetics (formerly Invitae), Labcorp
Classification: Uncertain significance for Dilated cardiomyopathy 1G; Autosomal recessive limb-girdle muscular dystrophy type 2J. Last evaluated: 2025-12-22. Review status: criteria provided, single submitter. Criteria: Invitae Variant Classification Sherloc (09022015). Collection method: clinical testing. Allele origin: germline.
Comment: This sequence change replaces phenylalanine, which is neutral and non-polar, with leucine, which is neutral and non-polar, at codon 34961 of the TTN protein (p.Phe34961Leu). This variant is not present in population databases (gnomAD no frequency). This variant has not been reported in the literature in individuals affected with TTN-related conditions. ClinVar contains an entry for this variant (Variation ID: 648988). Experimental studies and prediction algorithms are not available or were not evaluated, and the functional significance of this variant is currently unknown. This variant is located in the M band of TTN (PMID: 25589632). Non-truncating variants in this region may be relevant for neuromuscular disorders, but have not been definitively shown to cause cardiomyopathy (PMID: 23975875). In summary, the available evidence is currently insufficient to determine the role of this variant in disease. Therefore, it has been classified as a Variant of Uncertain Significance.

Ambry Genetics
Classification: Uncertain significance for Cardiovascular phenotype. Last evaluated: 2020-01-10. Review status: criteria provided, single submitter. Criteria: Ambry Variant Classification Scheme 2023. Collection method: clinical testing. Allele origin: germline.
Comment: The p.F25896L variant (also known as c.77688T>G), located in coding exon 185 of the TTN gene, results from a T to G substitution at nucleotide position 77688. The phenylalanine at codon 25896 is replaced by leucine, an amino acid with highly similar properties. This amino acid position is highly conserved in available vertebrate species. In addition, this alteration is predicted to be tolerated by in silico analysis. Since supporting evidence is limited at this time, the clinical significance of this alteration remains unclear.

Revvity Omics, Revvity
Classification: Uncertain significance. Last evaluated: 2019-05-08. Review status: criteria provided, single submitter. Criteria: ACMG Guidelines, 2015. Collection method: clinical testing. Allele origin: germline.

Literature cited by the submitters: PubMed 25589632 (cited by Labcorp Genetics (formerly Invitae), Labcorp); PubMed 23975875 (cited by Labcorp Genetics (formerly Invitae), Labcorp).